The following is an entry in ClinVar:

ClinVar aggregate classification (germline): Uncertain significance. Review status: criteria provided, multiple submitters, no conflicts (2 of 4 stars). 3 submissions from 3 submitters: Uncertain significance (3). Last evaluated 2025-08-27.

Conditions:
Inborn genetic diseases. Identifiers: MedGen C0950123, MeSH D030342.
Autosomal recessive nonsyndromic hearing loss 24. Identifiers: Orphanet 90636, MedGen C1970239, MONDO:0012602, OMIM 611022.

Allele frequency attached by ClinVar (database versions not stated): gnomAD exomes 0.00001.
gnomAD v4.1: 19 of 1,613,088 alleles (0.0012%); highest among the groups gnomAD compares: Non-Finnish European, 0.0015%; no homozygotes.

Submissions (3):

Ambry Genetics
Classification: Uncertain significance for Inborn genetic diseases. Last evaluated: 2025-08-27. Review status: criteria provided, single submitter. Criteria: Ambry Variant Classification Scheme 2023. Collection method: clinical testing. Allele origin: germline.

Labcorp Genetics (formerly Invitae), Labcorp
Classification: Uncertain significance. Last evaluated: 2024-10-02. Review status: criteria provided, single submitter. Criteria: Invitae Variant Classification Sherloc (09022015). Collection method: clinical testing. Allele origin: germline.
Comment: This sequence change replaces lysine, which is basic and polar, with arginine, which is basic and polar, at codon 526 of the RDX protein (p.Lys526Arg). This variant is not present in population databases (gnomAD no frequency). This variant has not been reported in the literature in individuals affected with RDX-related conditions. ClinVar contains an entry for this variant (Variation ID: 878216). An algorithm developed to predict the effect of missense changes on protein structure and function (PolyPhen-2) suggests that this variant is likely to be tolerated. In summary, the available evidence is currently insufficient to determine the role of this variant in disease. Therefore, it has been classified as a Variant of Uncertain Significance.

Illumina Laboratory Services, Illumina
Classification: Uncertain significance for Autosomal recessive nonsyndromic hearing loss 24. Last evaluated: 2018-01-13. Review status: criteria provided, single submitter. Criteria: ICSL Variant Classification Criteria 13 December 2019. Collection method: clinical testing. Allele origin: germline.

NM_002906.4(RDX):c.1577A>G (p.Lys526Arg)

Gene: RDX (radixin; minus strand). Cytogenetic location: 11q22.3.
Variant type: single nucleotide variant.
Coding change: c.1577A>G on transcript NM_002906.4 (MANE Select); coding-DNA position 1577, A replaced by G.
Protein change: p.Lys526Arg; replaces lysine 526 with arginine.
Molecular consequence: missense variant. On other transcripts: intron variant (1).
Genome position (GRCh38, 1-based): chr11:110,233,247, T>C on the plus strand (A>G on the coding strand, the complement: RDX is on the minus strand). VCF-style: chr11-110233247-T-C. GRCh37 (hg19) VCF-style: chr11-110103972-T-C.
Other names: c.1577A>G, p.Lys526Arg (NM_001260492.2, NM_001260493.2); c.1169A>G, p.Lys390Arg (NM_001260494.2); c.536A>G, p.Lys179Arg (NM_001260495.2); c.405-1243A>G (NM_001260496.2); short protein forms K390R, K526R, K179R.
Identifiers: ClinVar variation 878216 (VCV000878216.7), dbSNP rs1864709166, ClinGen allele CA382571775.